The following is an entry in ClinVar:

ClinVar aggregate classification (germline): Uncertain significance (1 of 4 stars; one submission).

Allele frequency attached by ClinVar (database versions not stated): gnomAD exomes below 0.00001; TOPMed 0.00006; gnomAD 0.00007.
gnomAD v4.1: 16 of 1,610,682 alleles (0.00099%); highest among the groups gnomAD compares: Admixed American, 0.018%; no homozygotes.

Submission:

Labcorp Genetics (formerly Invitae), Labcorp
Classification: Uncertain significance. Last evaluated: 2025-09-23. Review status: criteria provided, single submitter. Criteria: Invitae Variant Classification Sherloc (09022015). Collection method: clinical testing. Allele origin: germline.
Comment: This sequence change replaces valine, which is neutral and non-polar, with isoleucine, which is neutral and non-polar, at codon 493 of the ZMYND11 protein (p.Val493Ile). This variant is present in population databases (no rsID available, gnomAD 0.009%). This missense change has been observed in individual(s) with clinical features of ZMYND11-related conditions (PMID: 28135719). ClinVar contains an entry for this variant (Variation ID: 2152078). Invitae Evidence Modeling of protein sequence and biophysical properties (such as structural, functional, and spatial information, amino acid conservation, physicochemical variation, residue mobility, and thermodynamic stability) indicates that this missense variant is not expected to disrupt ZMYND11 protein function with a negative predictive value of 80%. In summary, the available evidence is currently insufficient to determine the role of this variant in disease. Therefore, it has been classified as a Variant of Uncertain Significance.

Literature cited by the submitters: PubMed 28135719.

NM_001370100.5(ZMYND11):c.1477G>A (p.Val493Ile)

Genes: ZMYND11 (zinc finger MYND-type containing 11; plus strand), LOC126860802 (BRD4-independent group 4 enhancer GRCh37_chr10:294268-295467; plus strand). Cytogenetic location: 10p15.3.
Variant type: single nucleotide variant.
Coding change: c.1477G>A on transcript NM_001370100.5 (MANE Select); coding-DNA position 1477, G replaced by A.
Protein change: p.Val493Ile; replaces valine 493 with isoleucine.
Molecular consequence: missense variant. On other transcripts: non-coding transcript variant (1).
Genome position (GRCh38, 1-based): chr10:248,585, G>A. VCF-style: chr10-248585-G-A. GRCh37 (hg19) VCF-style: chr10-294525-G-A.
Other names: c.1477G>A, p.Val493Ile (NM_001161482.1, NM_001202468.1, NM_001370097.3 and 5 more transcripts); c.1315G>A, p.Val439Ile (NM_001202464.3, NM_001202467.1, NM_001370103.2 and 6 more transcripts); c.1222G>A, p.Val408Ile (NM_001202465.3, NM_001370110.2); c.1312G>A, p.Val438Ile (NM_001202466.3, NM_001370111.2); c.1426G>A, p.Val476Ile (NM_001330057.3, NM_001370112.2); c.1384G>A, p.Val462Ile (NM_001370113.2, NM_001370114.2); c.1474G>A, p.Val492Ile (NM_001370115.2, NM_212479.4); c.1411G>A, p.Val471Ile (NM_001370116.2); and 8 more; short protein forms V391I, V438I, V462I, V471I, V476I, V408I, V417I, V336I.
Identifiers: ClinVar variation 2152078 (VCV002152078.4), dbSNP rs950513406, ClinGen allele CA201884996.